The following is an entry in ClinVar:

ClinVar aggregate classification (germline): Uncertain significance. Review status: criteria provided, multiple submitters, no conflicts (2 of 4 stars). 2 submissions from 2 submitters: Uncertain significance (2). Last evaluated 2024-10-02.

Conditions:
Renal cell carcinoma. Identifiers: Orphanet 217071, MedGen C0007134, MeSH D002292, MONDO:0005086, HP:0005584.
Hereditary cancer-predisposing syndrome. Also called: Tumor predisposition; Hereditary neoplastic syndrome; Neoplastic Syndromes, Hereditary; Hereditary Cancer Syndrome. Identifiers: Orphanet 140162, MedGen C0027672, MeSH D009386, MONDO:0015356.

Allele frequency attached by ClinVar (database versions not stated): gnomAD exomes below 0.00001.
gnomAD v4.1: 1 of 1,613,868 alleles (0.000062%); highest among the groups gnomAD compares: Non-Finnish European, 0.000085%; no homozygotes.

Submissions (2):

Labcorp Genetics (formerly Invitae), Labcorp
Classification: Uncertain significance for Renal cell carcinoma. Last evaluated: 2024-10-02. Review status: criteria provided, single submitter. Criteria: Invitae Variant Classification Sherloc (09022015). Collection method: clinical testing. Allele origin: germline.
Comment: This sequence change replaces aspartic acid, which is acidic and polar, with tyrosine, which is neutral and polar, at codon 999 of the MET protein (p.Asp999Tyr). This variant is not present in population databases (gnomAD no frequency). This variant has not been reported in the literature in individuals affected with MET-related conditions. ClinVar contains an entry for this variant (Variation ID: 856847). Invitae Evidence Modeling of protein sequence and biophysical properties (such as structural, functional, and spatial information, amino acid conservation, physicochemical variation, residue mobility, and thermodynamic stability) indicates that this missense variant is expected to disrupt MET protein function with a positive predictive value of 80%. In summary, the available evidence is currently insufficient to determine the role of this variant in disease. Therefore, it has been classified as a Variant of Uncertain Significance.

Ambry Genetics
Classification: Uncertain significance for Hereditary cancer-predisposing syndrome. Last evaluated: 2023-12-29. Review status: criteria provided, single submitter. Criteria: Ambry Variant Classification Scheme 2023. Collection method: clinical testing. Allele origin: germline.
Comment: The p.D999Y variant (also known as c.2995G>T), located in coding exon 13 of the MET gene, results from a G to T substitution at nucleotide position 2995. The aspartic acid at codon 999 is replaced by tyrosine, an amino acid with highly dissimilar properties. This amino acid position is highly conserved in available vertebrate species. In addition, this alteration is predicted to be deleterious by in silico analysis. Since supporting evidence is limited at this time, the clinical significance of this alteration remains unclear.

NM_000245.4(MET):c.2941G>T (p.Asp981Tyr)

Gene: MET (MET proto-oncogene, receptor tyrosine kinase; plus strand). Cytogenetic location: 7q31.2.
Variant type: single nucleotide variant.
Coding change: c.2941G>T on transcript NM_000245.4 (MANE Select); coding-DNA position 2941, G replaced by T.
Protein change: p.Asp981Tyr; replaces aspartic acid 981 with tyrosine.
Molecular consequence: missense variant.
Genome position (GRCh38, 1-based): chr7:116,771,902, G>T. VCF-style: chr7-116771902-G-T. GRCh37 (hg19) VCF-style: chr7-116411956-G-T.
Other names: c.2995G>T, p.Asp999Tyr (NM_001127500.3); c.1651G>T, p.Asp551Tyr (NM_001324402.2); short protein forms D981Y, D999Y, D551Y.
Identifiers: ClinVar variation 856847 (VCV000856847.10), dbSNP rs1794847447, ClinGen allele CA368987132.